The following is an entry in ClinVar:

NM_000035.4(ALDOB):c.227del (p.Gly76fs)

Gene: ALDOB (aldolase, fructose-bisphosphate B; minus strand). Cytogenetic location: 9q31.1.
Variant type: Deletion.
Coding change: c.227del on transcript NM_000035.4 (MANE Select); coding-DNA position 227, one base deleted (G; older notation c.227delG).
Protein change: p.Gly76fs; shifts the reading frame from glycine 76.
Molecular consequence: frameshift variant.
Genome position (GRCh38, 1-based): chr9:101,429,852, C deleted on the plus strand (G on the coding strand, the reverse complement: ALDOB is on the minus strand); the first of 5 consecutive C bases (chr9:101,429,852-101,429,856); deleting any one gives the same sequence. VCF-style (leftmost placement, unchanged base first): chr9-101429851-AC-A. GRCh37 (hg19) VCF-style: chr9-104192133-AC-A.
Other names: short protein forms G76fs.
Identifiers: ClinVar variation 1726690 (VCV001726690.2), dbSNP rs2118362340, ClinGen allele CA2528007265.
Genomic context (GRCh38, chr9:101,429,851, plus strand): 5'-GTTTCTGAACAGCTTTCCCTGGCTGTCCTTCTGGTAGAGGGTCTCGTGGAAAAGGATCAC[AC>A]CCCCGATGCTCTGGTTGATGGAACTGTCCACAGAGAAGAGGATTTCTCGGAACTGCCGGC-3'

ClinVar aggregate classification (germline): Likely pathogenic (1 of 4 stars; one submission).

Conditions:
Hereditary fructosuria. Also called: ALDOB DEFICIENCY; ALDOLASE B DEFICIENCY; FRUCTOSE-1,6-BISPHOSPHATE ALDOLASE B DEFICIENCY; FRUCTOSE-1-PHOSPHATE ALDOLASE DEFICIENCY; FRUCTOSEMIA; Fructose intolerance. Identifiers: Orphanet 469, MedGen C0016751, MONDO:0009249, OMIM 229600, HP:0005973. Disease mechanism: loss of function.

Submission:

Myriad Genetics, Inc.
Classification: Likely pathogenic for Hereditary fructosuria. Last evaluated: 2021-12-30. Review status: criteria provided, single submitter. Criteria: Myriad Women's Health Autosomal Recessive and X-Linked Classification Criteria (2021). Collection method: clinical testing. Allele origin: unknown.
Comment: NM_000035.3(ALDOB):c.227delG(G76Vfs*2) is expected to be pathogenic in the context of hereditary fructose intolerance. This variant is predicted to lead to an abnormal or absent protein product due to the creation of a premature termination codon in ALDOB, a gene where loss-of-function variants are known to be pathogenic. Please note: this variant was assessed in the context of healthy population screening.